The following is an entry in ClinVar:

ClinVar aggregate classification (germline): Benign (1 of 4 stars; one submission).

Allele frequency attached by ClinVar (database versions not stated): 1000 Genomes Project 0.30351; TOPMed 0.40159; gnomAD 0.41430 and 0.42491; gnomAD exomes 0.42326.
gnomAD v4.1: 268,914 of 638,304 alleles (42%); highest among the groups gnomAD compares: Non-Finnish European, 49%; 60,379 homozygotes.

Submission:

GeneDx
Classification: Benign. Last evaluated: 2018-06-19. Review status: criteria provided, single submitter. Criteria: GeneDx Variant Classification (06012015). Collection method: clinical testing. Allele origin: germline. Affected: yes.
Comment: This variant is considered likely benign or benign based on one or more of the following criteria: it is a conservative change, it occurs at a poorly conserved position in the protein, it is predicted to be benign by multiple in silico algorithms, and/or has population frequency not consistent with disease.

NM_001985.3(ETFB):c.598-189T>C

Gene: ETFB (electron transfer flavoprotein subunit beta; minus strand). Cytogenetic location: 19q13.41.
Variant type: single nucleotide variant.
Coding change: c.598-189T>C on transcript NM_001985.3 (MANE Select); 189 bases into the intron before coding-DNA position 598, T replaced by C.
Molecular consequence: intron variant.
Genome position (GRCh38, 1-based): chr19:51,345,570, A>G on the plus strand (T>C on the coding strand, the complement: ETFB is on the minus strand). VCF-style: chr19-51345570-A-G. GRCh37 (hg19) VCF-style: chr19-51848824-A-G.
Other names: c.871-189T>C (NM_001014763.1).
Identifiers: ClinVar variation 680119 (VCV000680119.1), dbSNP rs8107232, ClinGen allele CA14646823.